The following is an entry in ClinVar:

ClinVar aggregate classification (germline): Uncertain significance (1 of 4 stars; one submission).

Conditions:
Insulin-dependent diabetes mellitus secretory diarrhea syndrome (IPEX). Also called: IMMUNODEFICIENCY, POLYENDOCRINOPATHY, AND ENTEROPATHY, X-LINKED; Immune dysregulation-polyendocrinopathy-enteropathy-X-linked syndrome; X-Linked Autoimmunity-Allergic Dysregulation Syndrome; DIABETES MELLITUS, CONGENITAL INSULIN-DEPENDENT, WITH FATAL SECRETORY DIARRHEA; DIARRHEA, POLYENDOCRINOPATHY, FATAL INFECTION SYNDROME, X-LINKED; ENTEROPATHY, AUTOIMMUNE, WITH HEMOLYTIC ANEMIA AND POLYENDOCRINOPATHY. Identifiers: Orphanet 37042, MedGen C0342288, MONDO:0010580, OMIM 304790. Disease mechanism: loss of function.

Submission:

Labcorp Genetics (formerly Invitae), Labcorp
Classification: Uncertain significance for Insulin-dependent diabetes mellitus secretory diarrhea syndrome. Last evaluated: 2025-05-18. Review status: criteria provided, single submitter. Criteria: Invitae Variant Classification Sherloc (09022015). Collection method: clinical testing. Allele origin: germline.
Comment: This sequence change replaces proline, which is neutral and non-polar, with threonine, which is neutral and polar, at codon 126 of the FOXP3 protein (p.Pro126Thr). This variant is present in population databases (rs782202711, gnomAD 0.03%). This variant has not been reported in the literature in individuals affected with FOXP3-related conditions. Invitae Evidence Modeling of protein sequence and biophysical properties (such as structural, functional, and spatial information, amino acid conservation, physicochemical variation, residue mobility, and thermodynamic stability) indicates that this missense variant is not expected to disrupt FOXP3 protein function with a negative predictive value of 80%. In summary, the available evidence is currently insufficient to determine the role of this variant in disease. Therefore, it has been classified as a Variant of Uncertain Significance.

NM_014009.4(FOXP3):c.376C>A (p.Pro126Thr)

Gene: FOXP3 (forkhead box P3; minus strand). Cytogenetic location: Xp11.23.
Variant type: single nucleotide variant.
Coding change: c.376C>A on transcript NM_014009.4 (MANE Select); coding-DNA position 376, C replaced by A.
Protein change: p.Pro126Thr; replaces proline 126 with threonine.
Molecular consequence: missense variant.
Genome position (GRCh38, 1-based): chrX:49,257,505, G>T on the plus strand (C>A on the coding strand, the complement: FOXP3 is on the minus strand). VCF-style: chrX-49257505-G-T. GRCh37 (hg19) VCF-style: chrX-49113962-G-T.
Other names: c.271C>A, p.Pro91Thr (NM_001114377.2); short protein forms P126T, P91T.
Identifiers: ClinVar variation 4736873 (VCV004736873.1).
Genomic context (GRCh38, chrX:49,257,505, plus strand): 5'-GGGCCTTGAGGGAGAAGACCCCAGTGGCGGTGGTGGGTGGTGTGAGGCTGATCATGGCTG[G>T]GCTCTCCAGGGGGTGCACCTGCAGCACAGGGGTCCGGGCGTGGGCATCCACCGTTGAGAG-3'
Protein context (NP_054728.2, residues 116-136): PVLQVHPLES[Pro126Thr]AMISLTPPTT